The following is an entry in ClinVar:

NM_152641.4(ARID2):c.794T>C (p.Ile265Thr)

Gene: ARID2 (AT-rich interaction domain 2; plus strand). Cytogenetic location: 12q12.
Variant type: single nucleotide variant.
Coding change: c.794T>C on transcript NM_152641.4 (MANE Select); coding-DNA position 794, T replaced by C.
Protein change: p.Ile265Thr; replaces isoleucine 265 with threonine.
Molecular consequence: missense variant.
Genome position (GRCh38, 1-based): chr12:45,836,762, T>C. VCF-style: chr12-45836762-T-C. GRCh37 (hg19) VCF-style: chr12-46230545-T-C.
Other names: c.794T>C, p.Ile265Thr (NM_001347839.2); short protein forms I265T.
Identifiers: ClinVar variation 4874782 (VCV004874782.2).
Genomic context (GRCh38, chr12:45,836,762, plus strand): 5'-AAATGAAATATTAAGTGAAATATGTATTTTCTATTGTAGAAGGTACATCAGGAGAATGGA[T>C]TTGGGAGTCTTTATTTCATCCACCTCGAAAGCTGGGCATTAACGATATTGAAGGACAGCG-3'
Protein context (NP_689854.2, residues 255-275): KSHEGTSGEW[Ile265Thr]WESLFHPPRK

ClinVar aggregate classification (germline): Likely benign (1 of 4 stars; one submission).

gnomAD v4.1: 18 of 1,613,410 alleles (0.0011%); highest among the groups gnomAD compares: Admixed American, 0.023%; no homozygotes.

Submission:

CeGaT Center for Human Genetics Tuebingen
Classification: Likely benign. Last evaluated: 2026-04-01. Review status: criteria provided, single submitter. Criteria: CeGaT Center For Human Genetics Tuebingen Variant Classification Criteria Version 2. Collection method: clinical testing. Allele origin: germline. Affected: yes. Observed: 1 variant allele.
Comment: ARID2: BS2